The following is an entry in ClinVar:

ClinVar aggregate classification (germline): Benign. Review status: criteria provided, multiple submitters, no conflicts (2 of 4 stars). 2 submissions from 2 submitters: Benign (2). Last evaluated 2020-10-28.

Allele frequency attached by ClinVar (database versions not stated): gnomAD exomes 0.06482; ExAC 0.06953; 1000 Genomes Project 0.12460; gnomAD 0.12648 and 0.13277; 1000 Genomes Project 30x 0.12726; TOPMed 0.13378; ESP Exome Variant Server 0.13517.
gnomAD v4.1: 105,720 of 1,601,740 alleles (6.6%); highest among the groups gnomAD compares: African/African-American, 32%; 6,316 homozygotes.

Submissions (2):

GeneDx
Classification: Benign. Last evaluated: 2020-10-28. Review status: criteria provided, single submitter. Criteria: GeneDx Variant Classification Process June 2021. Collection method: clinical testing. Allele origin: germline. Affected: yes.
Comment: This variant is associated with the following publications: (PMID: 25150845)

Breakthrough Genomics
Classification: Benign. Review status: criteria provided, single submitter. Criteria: ACMG Guidelines, 2015. Collection method: not provided. Allele origin: germline. Inheritance: Unknown mechanism. Affected: yes.

NM_057095.3(CYP3A43):c.1018C>G (p.Pro340Ala)

Gene: CYP3A43 (cytochrome P450 family 3 subfamily A member 43; plus strand). Cytogenetic location: 7q22.1.
Variant type: single nucleotide variant.
Coding change: c.1018C>G on transcript NM_057095.3 (MANE Select); coding-DNA position 1018, C replaced by G.
Protein change: p.Pro340Ala; replaces proline 340 with alanine.
Molecular consequence: missense variant. On other transcripts: non-coding transcript variant (2).
Genome position (GRCh38, 1-based): chr7:99,859,982, C>G. VCF-style: chr7-99859982-C-G. GRCh37 (hg19) VCF-style: chr7-99457605-C-G.
Other names: c.688C>G, p.Pro230Ala (NM_001278921.2); c.1018C>G, p.Pro340Ala (NM_022820.5, NM_057096.4); short protein forms P230A, P340A.
Identifiers: ClinVar variation 1278238 (VCV001278238.2), dbSNP rs680055, ClinGen allele CA4370354.